The following is an entry in ClinVar:

NM_001036.6(RYR3):c.9218G>A (p.Arg3073His)

Gene: RYR3 (ryanodine receptor 3; plus strand). Cytogenetic location: 15q14.
Variant type: single nucleotide variant.
Coding change: c.9218G>A on transcript NM_001036.6 (MANE Select); coding-DNA position 9218, G replaced by A.
Protein change: p.Arg3073His; replaces arginine 3073 with histidine.
Molecular consequence: missense variant.
Genome position (GRCh38, 1-based): chr15:33,780,291, G>A. VCF-style: chr15-33780291-G-A. GRCh37 (hg19) VCF-style: chr15-34072492-G-A.
Other names: c.9218G>A, p.Arg3073His (NM_001243996.4); short protein forms R3073H.
Identifiers: ClinVar variation 570790 (VCV000570790.8), dbSNP rs759949044, ClinGen allele CA7460456.
Genomic context (GRCh38, chr15:33,780,291, plus strand): 5'-AATGTCTGGCCTCGCTGGCAGCTGCCATACCAGTGGCATTCCTGGAGCCCACCCTTAATC[G>A]CTACAATCCACTCTCGGTCTTCAACACCAAAACCCCCAGGGAGAGGTCTAGTAAGTATCT-3'
Protein context (NP_001027.3, residues 3063-3083): PVAFLEPTLN[Arg3073His]YNPLSVFNTK

ClinVar aggregate classification (germline): Uncertain significance (1 of 4 stars; one submission).

Conditions:
Epileptic encephalopathy. Identifiers: MedGen C0543888, HP:0200134.

Allele frequency attached by ClinVar (database versions not stated): gnomAD 0.00001 and 0.00002; gnomAD exomes 0.00002 and 0.00005; ExAC 0.00003; TOPMed 0.00007.
gnomAD v4.1: 27 of 1,613,694 alleles (0.0017%); highest among the groups gnomAD compares: Admixed American, 0.018%; no homozygotes.

Submission:

Labcorp Genetics (formerly Invitae), Labcorp
Classification: Uncertain significance for Epileptic encephalopathy. Last evaluated: 2025-08-10. Review status: criteria provided, single submitter. Criteria: Invitae Variant Classification Sherloc (09022015). Collection method: clinical testing. Allele origin: germline.
Comment: This sequence change replaces arginine, which is basic and polar, with histidine, which is basic and polar, at codon 3073 of the RYR3 protein (p.Arg3073His). This variant is present in population databases (rs759949044, gnomAD 0.03%). This variant has not been reported in the literature in individuals affected with RYR3-related conditions. ClinVar contains an entry for this variant (Variation ID: 570790). Invitae Evidence Modeling of protein sequence and biophysical properties (such as structural, functional, and spatial information, amino acid conservation, physicochemical variation, residue mobility, and thermodynamic stability) indicates that this missense variant is not expected to disrupt RYR3 protein function with a negative predictive value of 80%. In summary, the available evidence is currently insufficient to determine the role of this variant in disease. Therefore, it has been classified as a Variant of Uncertain Significance.